The following is an entry in ClinVar:

NM_012193.4(FZD4):c.683G>T (p.Ser228Ile)

Genes: FZD4 (frizzled class receptor 4; minus strand), PRSS23 (serine protease 23; plus strand). Cytogenetic location: 11q14.2.
Variant type: single nucleotide variant.
Coding change: c.683G>T on transcript NM_012193.4 (MANE Select); coding-DNA position 683, G replaced by T.
Protein change: p.Ser228Ile; replaces serine 228 with isoleucine.
Molecular consequence: missense variant. On other transcripts: non-coding transcript variant (2).
Genome position (GRCh38, 1-based): chr11:86,952,073, C>A on the plus strand (G>T on the coding strand, the complement: FZD4 is on the minus strand). VCF-style: chr11-86952073-C-A. GRCh37 (hg19) VCF-style: chr11-86663115-C-A.
Other names: short protein forms S228I.
Identifiers: ClinVar variation 2854377 (VCV002854377.3), dbSNP rs781634932, ClinGen allele CA6218427.

ClinVar aggregate classification (germline): Uncertain significance (1 of 4 stars; one submission).

Allele frequency attached by ClinVar (database versions not stated): ExAC 0.00001.
gnomAD v4.1: 2 of 1,614,100 alleles (0.00012%); highest among the groups gnomAD compares: South Asian, 0.0011%; no homozygotes.

Submission:

Labcorp Genetics (formerly Invitae), Labcorp
Classification: Uncertain significance. Last evaluated: 2023-04-09. Review status: criteria provided, single submitter. Criteria: Invitae Variant Classification Sherloc (09022015). Collection method: clinical testing. Allele origin: germline.
Comment: In summary, the available evidence is currently insufficient to determine the role of this variant in disease. Therefore, it has been classified as a Variant of Uncertain Significance. Advanced modeling of protein sequence and biophysical properties (such as structural, functional, and spatial information, amino acid conservation, physicochemical variation, residue mobility, and thermodynamic stability) performed at Invitae indicates that this missense variant is not expected to disrupt FZD4 protein function. This variant has not been reported in the literature in individuals affected with FZD4-related conditions. This variant is present in population databases (rs781634932, gnomAD 0.0009%). This sequence change replaces serine, which is neutral and polar, with isoleucine, which is neutral and non-polar, at codon 228 of the FZD4 protein (p.Ser228Ile).